The following is an entry in ClinVar:

NM_001039141.3(TRIOBP):c.6814G>A (p.Gly2272Arg)

Gene: TRIOBP (TRIO and F-actin binding protein; plus strand). Cytogenetic location: 22q13.1.
Variant type: single nucleotide variant.
Coding change: c.6814G>A on transcript NM_001039141.3 (MANE Select); coding-DNA position 6814, G replaced by A.
Protein change: p.Gly2272Arg; replaces glycine 2272 with arginine.
Molecular consequence: missense variant.
Genome position (GRCh38, 1-based): chr22:37,769,340, G>A. VCF-style: chr22-37769340-G-A. GRCh37 (hg19) VCF-style: chr22-38165347-G-A.
Other names: c.1675G>A, p.Gly559Arg (NM_007032.5); short protein forms G2272R, G559R.
Identifiers: ClinVar variation 4070755 (VCV004070755.1).

ClinVar aggregate classification (germline): Uncertain significance (1 of 4 stars; one submission).

gnomAD v4.1: 106 of 1,610,434 alleles (0.0066%); highest among the groups gnomAD compares: South Asian, 0.0088%; no homozygotes.

Submission:

GeneDx
Classification: Uncertain significance. Last evaluated: 2025-01-17. Review status: criteria provided, single submitter. Criteria: GeneDx Variant Classification Process June 2021. Collection method: clinical testing. Allele origin: germline. Affected: yes.
Comment: In silico analysis supports that this missense variant has a deleterious effect on protein structure/function; Has not been previously published as pathogenic or benign to our knowledge